The following is an entry in ClinVar:

ClinVar aggregate classification (germline): Conflicting classifications of pathogenicity. Review status: criteria provided, conflicting classifications (1 of 4 stars). 2 submissions from 2 submitters: Uncertain significance (1); Likely benign (1). Last evaluated 2025-12-19.

Conditions:
Chondrodysplasia punctata, brachytelephalangic, autosomal. Also called: BRACHYTELEPHALANGIC CHONDRODYSPLASIA PUNCTATA. Identifiers: MedGen C1844853, MONDO:0011238, OMIM 602497.
Inborn genetic diseases. Identifiers: MedGen C0950123, MeSH D030342.

Allele frequency attached by ClinVar (database versions not stated): TOPMed 0.00004.

Submissions (2):

Labcorp Genetics (formerly Invitae), Labcorp
Classification: Uncertain significance for Chondrodysplasia punctata, brachytelephalangic, autosomal. Last evaluated: 2025-12-19. Review status: criteria provided, single submitter. Criteria: Invitae Variant Classification Sherloc (09022015). Collection method: clinical testing. Allele origin: germline.
Comment: This sequence change replaces valine, which is neutral and non-polar, with methionine, which is neutral and non-polar, at codon 339 of the ARSE protein (p.Val339Met). This variant is present in population databases (rs759305139, gnomAD 0.005%). This variant has not been reported in the literature in individuals affected with ARSE-related conditions. ClinVar contains an entry for this variant (Variation ID: 1683189). Invitae Evidence Modeling of protein sequence and biophysical properties (such as structural, functional, and spatial information, amino acid conservation, physicochemical variation, residue mobility, and thermodynamic stability) indicates that this missense variant is not expected to disrupt ARSE protein function with a negative predictive value of 80%. In summary, the available evidence is currently insufficient to determine the role of this variant in disease. Therefore, it has been classified as a Variant of Uncertain Significance.

Ambry Genetics
Classification: Likely benign for Inborn genetic diseases. Last evaluated: 2024-06-03. Review status: criteria provided, single submitter. Criteria: Ambry Variant Classification Scheme 2023. Collection method: clinical testing. Allele origin: germline.

NM_000047.3(ARSL):c.1015G>A (p.Val339Met)

Gene: ARSL (arylsulfatase L; minus strand). Cytogenetic location: Xp22.33.
Variant type: single nucleotide variant.
Coding change: c.1015G>A on transcript NM_000047.3 (MANE Select); coding-DNA position 1015, G replaced by A.
Protein change: p.Val339Met; replaces valine 339 with methionine.
Molecular consequence: missense variant.
Genome position (GRCh38, 1-based): chrX:2,943,176, C>T on the plus strand (G>A on the coding strand, the complement: ARSL is on the minus strand). VCF-style: chrX-2943176-C-T. GRCh37 (hg19) VCF-style: chrX-2861217-C-T.
Other names: c.1015G>A (NM_000047.2); c.1090G>A, p.Val364Met (NM_001282628.2, NM_001369080.1); c.853G>A, p.Val285Met (NM_001282631.2); c.1042G>A, p.Val348Met (NM_001369079.1); short protein forms V285M, V339M, V348M, V364M.
Identifiers: ClinVar variation 1683189 (VCV001683189.7), dbSNP rs759305139, ClinGen allele CA10338092.